The following is an entry in ClinVar:

ClinVar aggregate classification (germline): Uncertain significance (1 of 4 stars; one submission).

gnomAD v4.1: 3 of 1,211,786 alleles (0.00025%); highest among the groups gnomAD compares: African/African-American, 0.0052%; no homozygotes.

Submission:

Labcorp Genetics (formerly Invitae), Labcorp
Classification: Uncertain significance. Last evaluated: 2025-08-04. Review status: criteria provided, single submitter. Criteria: Invitae Variant Classification Sherloc (09022015). Collection method: clinical testing. Allele origin: germline.
Comment: This sequence change replaces threonine, which is neutral and polar, with asparagine, which is neutral and polar, at codon 220 of the BCAP31 protein (p.Thr220Asn). This variant is present in population databases (no rsID available, gnomAD 0.008%). This variant has not been reported in the literature in individuals affected with BCAP31-related conditions. An algorithm developed to predict the effect of missense changes on protein structure and function (PolyPhen-2) suggests that this variant is likely to be tolerated. In summary, the available evidence is currently insufficient to determine the role of this variant in disease. Therefore, it has been classified as a Variant of Uncertain Significance.

NM_001256447.2(BCAP31):c.659C>A (p.Thr220Asn)

Gene: BCAP31 (B cell receptor associated protein 31; minus strand). Cytogenetic location: Xq28.
Variant type: single nucleotide variant.
Coding change: c.659C>A on transcript NM_001256447.2 (MANE Select); coding-DNA position 659, C replaced by A.
Protein change: p.Thr220Asn; replaces threonine 220 with asparagine.
Molecular consequence: missense variant.
Genome position (GRCh38, 1-based): chrX:153,702,050, G>T on the plus strand (C>A on the coding strand, the complement: BCAP31 is on the minus strand). VCF-style: chrX-153702050-G-T. GRCh37 (hg19) VCF-style: chrX-152967505-G-T.
Other names: c.659C>A, p.Thr220Asn (NM_001139441.1, NM_005745.8); c.860C>A, p.Thr287Asn (NM_001139457.2); short protein forms T287N, T220N.
Identifiers: ClinVar variation 4699568 (VCV004699568.1).
Genomic context (GRCh38, chrX:153,702,050, plus strand): 5'-AATACGGGAGGGCTGACCTGCAGCTTTGCGTGCTCCTCCAGCAAGCGGTCGTACTCCTTG[G>T]TGAGGCCCTCAGACTGCTTCCGCATGGCCAGAACCTGGTTTTCAGCTTTCTCTAGTTCTT-3'
Protein context (NP_001243376.1, residues 210-230): LAMRKQSEGL[Thr220Asn]KEYDRLLEEH